The following is an entry in ClinVar:

NC_000017.10:g.(?_59756499)_(59761502_59763196)dup

Gene: BRIP1 (BRCA1 interacting DNA helicase 1; minus strand). Cytogenetic location: 17q23.2.
Variant type: Duplication.
Identifiers: ClinVar variation 4853473 (VCV004853473.1).

ClinVar aggregate classification (germline): Uncertain significance (1 of 4 stars; one submission).

Submission:

Women's Health and Genetics/Laboratory Corporation of America, LabCorp
Classification: Uncertain significance. Last evaluated: 2026-05-07. Review status: criteria provided, single submitter. Criteria: LabCorp Variant Classification Summary - May 2015. Collection method: clinical testing. Allele origin: germline.
Comment: Variant summary: The variant involves the duplication of exon 20 in the BRIP1 gene. A presumed nomenclature of c.(2905+1_2906-1)_(*4158_?)dup has been designated for the purposes of this classification. The exact breakpoint at the 3' end of this variant is unknown, therefore this duplication may extend downstream of the annotated region of the gene. As it duplicates the termination codon, its effect on the encoded protein is unknown. The variant was absent in 21688 control chromosomes. The available data on variant occurrences in the general population are insufficient to allow any conclusion about variant significance. To our knowledge, no occurrence of c.(2905+1_2906-1)_(*4158_?)dup in individuals affected with BRIP1-related conditions and no experimental evidence demonstrating its impact on protein function have been reported. ClinVar contains an entry for this variant (Variation ID: 584139). Based on the evidence outlined above, the variant was classified as uncertain significance.